The following is an entry in ClinVar:

NM_001365999.1(SZT2):c.4532T>C (p.Val1511Ala)

Gene: SZT2 (SZT2 subunit of KICSTOR complex; plus strand). Cytogenetic location: 1p34.2.
Variant type: single nucleotide variant.
Coding change: c.4532T>C on transcript NM_001365999.1 (MANE Select); coding-DNA position 4532, T replaced by C.
Protein change: p.Val1511Ala; replaces valine 1511 with alanine.
Molecular consequence: missense variant.
Genome position (GRCh38, 1-based): chr1:43,430,547, T>C. VCF-style: chr1-43430547-T-C. GRCh37 (hg19) VCF-style: chr1-43896218-T-C.
Other names: c.4361T>C, p.Val1454Ala (NM_015284.4); short protein forms V1454A, V1511A.
Identifiers: ClinVar variation 653578 (VCV000653578.4), dbSNP rs929462222, ClinGen allele CA21637118.
Genomic context (GRCh38, chr1:43,430,547, plus strand): 5'-CACTACTAGGAGACACATCTGCCTGCTGTGTGGTCACTGAGAGTGACCCAGAGCTAGAGG[T>C]AGAATACCGGGAGAGCCGTGAATCAGACCTGGGGCCTGCTGGGCTAGACTCTGCCTCGCT-3'
Protein context (NP_001352928.1, residues 1501-1521): VVTESDPELE[Val1511Ala]EYRESRESDL

ClinVar aggregate classification (germline): Uncertain significance (1 of 4 stars; one submission).

Allele frequency attached by ClinVar (database versions not stated): TOPMed below 0.00001; gnomAD 0.00001.
gnomAD v4.1: 1 of 1,613,946 alleles (0.000062%); highest among the groups gnomAD compares: African/African-American, 0.0013%; no homozygotes.

Submission:

Labcorp Genetics (formerly Invitae), Labcorp
Classification: Uncertain significance. Last evaluated: 2022-05-11. Review status: criteria provided, single submitter. Criteria: Invitae Variant Classification Sherloc (09022015). Collection method: clinical testing. Allele origin: germline.
Comment: This sequence change replaces valine, which is neutral and non-polar, with alanine, which is neutral and non-polar, at codon 1454 of the SZT2 protein (p.Val1454Ala). This variant is not present in population databases (gnomAD no frequency). This variant has not been reported in the literature in individuals affected with SZT2-related conditions. ClinVar contains an entry for this variant (Variation ID: 653578). Algorithms developed to predict the effect of missense changes on protein structure and function are either unavailable or do not agree on the potential impact of this missense change (SIFT: "Tolerated"; PolyPhen-2: "Probably Damaging"; Align-GVGD: "Class C0"). In summary, the available evidence is currently insufficient to determine the role of this variant in disease. Therefore, it has been classified as a Variant of Uncertain Significance.